The following is an entry in ClinVar:

ClinVar aggregate classification (germline): Uncertain significance. Review status: criteria provided, multiple submitters, no conflicts (2 of 4 stars). 2 submissions from 2 submitters: Uncertain significance (2). Last evaluated 2025-06-03.

Conditions:
Infantile neuroaxonal dystrophy (NBIA2A). Also called: NEURODEGENERATION WITH BRAIN IRON ACCUMULATION 2A; SEITELBERGER DISEASE; Infantile neuroaxonal dystrophy 1. Identifiers: Orphanet 35069, MedGen C0270724, MONDO:0024457, OMIM 256600.

Allele frequency attached by ClinVar (database versions not stated): ESP Exome Variant Server 0.00015; ExAC 0.00002; TOPMed 0.00010; gnomAD 0.00009.
gnomAD v4.1: 42 of 1,613,214 alleles (0.0026%); highest among the groups gnomAD compares: Middle Eastern, 0.033%; no homozygotes.

Submissions (2):

GeneDx
Classification: Uncertain significance. Last evaluated: 2025-06-03. Review status: criteria provided, single submitter. Criteria: GeneDx Variant Classification Process June 2021. Collection method: clinical testing. Allele origin: germline. Affected: yes.
Comment: In silico analysis supports that this missense variant has a deleterious effect on protein structure/function; Has not been previously published as pathogenic or benign to our knowledge

Labcorp Genetics (formerly Invitae), Labcorp
Classification: Uncertain significance for Infantile neuroaxonal dystrophy. Last evaluated: 2022-02-28. Review status: criteria provided, single submitter. Criteria: Invitae Variant Classification Sherloc (09022015). Collection method: clinical testing. Allele origin: germline.
Comment: This sequence change replaces arginine, which is basic and polar, with tryptophan, which is neutral and slightly polar, at codon 245 of the PLA2G6 protein (p.Arg245Trp). This variant is present in population databases (rs141685950, gnomAD 0.02%). This variant has not been reported in the literature in individuals affected with PLA2G6-related conditions. Advanced modeling of protein sequence and biophysical properties (such as structural, functional, and spatial information, amino acid conservation, physicochemical variation, residue mobility, and thermodynamic stability) performed at Invitae indicates that this missense variant is expected to disrupt PLA2G6 protein function. In summary, the available evidence is currently insufficient to determine the role of this variant in disease. Therefore, it has been classified as a Variant of Uncertain Significance.

NM_003560.4(PLA2G6):c.733C>T (p.Arg245Trp)

Gene: PLA2G6 (phospholipase A2 group VI; minus strand). Cytogenetic location: 22q13.1.
Variant type: single nucleotide variant.
Coding change: c.733C>T on transcript NM_003560.4 (MANE Select); coding-DNA position 733, C replaced by T.
Protein change: p.Arg245Trp; replaces arginine 245 with tryptophan.
Molecular consequence: missense variant. On other transcripts: intron variant (1).
Genome position (GRCh38, 1-based): chr22:38,140,046, G>A on the plus strand (C>T on the coding strand, the complement: PLA2G6 is on the minus strand). VCF-style: chr22-38140046-G-A. GRCh37 (hg19) VCF-style: chr22-38536053-G-A.
Other names: c.733C>T (NM_003560.2); c.733C>T, p.Arg245Trp (NM_001004426.3, NM_001199562.3, NM_001349864.2 and 2 more transcripts); c.199C>T, p.Arg67Trp (NM_001349867.2, NM_001349869.2); c.119+3059C>T (NM_001349868.2); short protein forms R245W, R67W.
Identifiers: ClinVar variation 2054037 (VCV002054037.2), dbSNP rs141685950, ClinGen allele CA10231176.